The following is an entry in ClinVar:

ClinVar aggregate classification (germline): Uncertain significance. Review status: criteria provided, multiple submitters, no conflicts (2 of 4 stars). 3 submissions from 3 submitters: Uncertain significance (3). Last evaluated 2023-11-06.

Conditions:
Hereditary cancer-predisposing syndrome. Also called: Neoplastic Syndromes, Hereditary; Hereditary neoplastic syndrome; Tumor predisposition; Hereditary Cancer Syndrome. Identifiers: Orphanet 140162, MedGen C0027672, MeSH D009386, MONDO:0015356.
Congenital diarrhea 5 with tufting enteropathy. Also called: INTESTINAL EPITHELIAL CELL DYSPLASIA; Congenital tufting enteropathy. Identifiers: Orphanet 92050, MedGen C2750737, MONDO:0013184, OMIM 613217.
Lynch syndrome 8 (LYNCH8). Also called: Colorectal cancer, hereditary nonpolyposis, type 8. Identifiers: Orphanet 144, MedGen C2750471, MONDO:0013196, OMIM 613244.

Allele frequency attached by ClinVar (database versions not stated): gnomAD exomes 0.00001 and 0.00004; ExAC 0.00005; gnomAD 0.00010 and 0.00012; TOPMed 0.00014; ESP Exome Variant Server 0.00015.

Submissions (3):

Labcorp Genetics (formerly Invitae), Labcorp
Classification: Uncertain significance. Last evaluated: 2023-11-06. Review status: criteria provided, single submitter. Criteria: Invitae Variant Classification Sherloc (09022015). Collection method: clinical testing. Allele origin: germline.
Comment: This sequence change replaces aspartic acid, which is acidic and polar, with asparagine, which is neutral and polar, at codon 206 of the EPCAM protein (p.Asp206Asn). This variant is present in population databases (rs367993015, gnomAD 0.05%). This variant has not been reported in the literature in individuals affected with EPCAM-related conditions. ClinVar contains an entry for this variant (Variation ID: 239136). Advanced modeling of protein sequence and biophysical properties (such as structural, functional, and spatial information, amino acid conservation, physicochemical variation, residue mobility, and thermodynamic stability) performed at Invitae indicates that this missense variant is not expected to disrupt EPCAM protein function with a negative predictive value of 80%. In summary, the available evidence is currently insufficient to determine the role of this variant in disease. Therefore, it has been classified as a Variant of Uncertain Significance.

Ambry Genetics
Classification: Uncertain significance for Hereditary cancer-predisposing syndrome. Last evaluated: 2022-12-14. Review status: criteria provided, single submitter. Criteria: Ambry Variant Classification Scheme 2023. Collection method: clinical testing. Allele origin: germline.

Fulgent Genetics
Classification: Uncertain significance for Congenital diarrhea 5 with tufting enteropathy; Lynch syndrome 8. Last evaluated: 2021-10-27. Review status: criteria provided, single submitter. Criteria: ACMG Guidelines, 2015. Collection method: clinical testing. Allele origin: unknown.

NM_002354.3(EPCAM):c.616G>A (p.Asp206Asn)

Gene: EPCAM (epithelial cell adhesion molecule; plus strand). Cytogenetic location: 2p21.
Variant type: single nucleotide variant.
Coding change: c.616G>A on transcript NM_002354.3 (MANE Select); coding-DNA position 616, G replaced by A.
Protein change: p.Asp206Asn; replaces aspartic acid 206 with asparagine.
Molecular consequence: missense variant.
Genome position (GRCh38, 1-based): chr2:47,379,013, G>A. VCF-style: chr2-47379013-G-A. GRCh37 (hg19) VCF-style: chr2-47606152-G-A.
Other names: short protein forms D206N.
Identifiers: ClinVar variation 239136 (VCV000239136.9), dbSNP rs367993015, ClinGen allele CA1649095.